The following is an entry in ClinVar:

NM_001079866.2(BCS1L):c.529C>T (p.Arg177Cys)

Gene: BCS1L (BCS1 ubiquinol-cytochrome c reductase complex chaperone; plus strand). Cytogenetic location: 2q35.
Variant type: single nucleotide variant.
Coding change: c.529C>T on transcript NM_001079866.2 (MANE Select); coding-DNA position 529, C replaced by T.
Protein change: p.Arg177Cys; replaces arginine 177 with cysteine.
Molecular consequence: missense variant. On other transcripts: non-coding transcript variant (1).
Genome position (GRCh38, 1-based): chr2:218,661,827, C>T. VCF-style: chr2-218661827-C-T. GRCh37 (hg19) VCF-style: chr2-219526550-C-T.
Other names: c.529C>T, p.Arg177Cys (NM_001257342.2, NM_001257343.2, NM_001257344.2 and 10 more transcripts); c.169C>T, p.Arg57Cys (NM_001318836.2, NM_001371451.1); c.28C>T, p.Arg10Cys (NM_001371452.1, NM_001371453.1, NM_001371454.1 and 3 more transcripts); short protein forms R57C, R10C, R177C.
Identifiers: ClinVar variation 2146075 (VCV002146075.2), dbSNP rs764184819, ClinGen allele CA2109690.

ClinVar aggregate classification (germline): Uncertain significance. Review status: criteria provided, multiple submitters, no conflicts (2 of 4 stars). 2 submissions from 2 submitters: Uncertain significance (2). Last evaluated 2025-08-13.

Conditions:
Inborn genetic diseases. Identifiers: MedGen C0950123, MeSH D030342.

Allele frequency attached by ClinVar (database versions not stated): ExAC 0.00001; gnomAD 0.00001; gnomAD exomes 0.00002; TOPMed 0.00002.

Submissions (2):

Ambry Genetics
Classification: Uncertain significance for Inborn genetic diseases. Last evaluated: 2025-08-13. Review status: criteria provided, single submitter. Criteria: Ambry Variant Classification Scheme 2023. Collection method: clinical testing. Allele origin: germline.

Labcorp Genetics (formerly Invitae), Labcorp
Classification: Uncertain significance. Last evaluated: 2022-07-28. Review status: criteria provided, single submitter. Criteria: Invitae Variant Classification Sherloc (09022015). Collection method: clinical testing. Allele origin: germline.
Comment: This sequence change replaces arginine, which is basic and polar, with cysteine, which is neutral and slightly polar, at codon 177 of the BCS1L protein (p.Arg177Cys). This variant is present in population databases (rs764184819, gnomAD 0.1%). This variant has not been reported in the literature in individuals affected with BCS1L-related conditions. Advanced modeling of protein sequence and biophysical properties (such as structural, functional, and spatial information, amino acid conservation, physicochemical variation, residue mobility, and thermodynamic stability) performed at Invitae indicates that this missense variant is expected to disrupt BCS1L protein function. In summary, the available evidence is currently insufficient to determine the role of this variant in disease. Therefore, it has been classified as a Variant of Uncertain Significance.